The following is an entry in ClinVar:

ClinVar aggregate classification (germline): Uncertain significance (1 of 4 stars; one submission).

gnomAD v4.1: 9 of 1,614,170 alleles (0.00056%); highest among the groups gnomAD compares: South Asian, 0.0099%; no homozygotes.

Submission:

Women's Health and Genetics/Laboratory Corporation of America, LabCorp
Classification: Uncertain significance. Last evaluated: 2025-12-26. Review status: criteria provided, single submitter. Criteria: LabCorp Variant Classification Summary - May 2015. Collection method: clinical testing. Allele origin: germline.
Comment: Variant summary: LARS1 c.973A>C (p.Ile325Leu) results in a conservative amino acid change in the encoded protein sequence. Algorithms developed to predict the effect of missense changes on protein structure and function are either unavailable or do not agree on the potential impact of this missense change. The variant allele was found at a frequency of 2.4e-05 in 251460 control chromosomes. The available data on variant occurrences in the general population are insufficient to allow any conclusion about variant significance. To our knowledge, no occurrence of c.973A>C in individuals affected with LARS1-related conditions and no experimental evidence demonstrating its impact on protein function have been reported. No submitters have cited clinical-significance assessments for this variant to ClinVar. Based on the evidence outlined above, the variant was classified as uncertain significance.

NM_020117.11(LARS1):c.973A>C (p.Ile325Leu)

Gene: LARS1 (leucyl-tRNA synthetase 1; minus strand). Cytogenetic location: 5q32.
Variant type: single nucleotide variant.
Coding change: c.973A>C on transcript NM_020117.11 (MANE Select); coding-DNA position 973, A replaced by C.
Protein change: p.Ile325Leu; replaces isoleucine 325 with leucine.
Molecular consequence: missense variant.
Genome position (GRCh38, 1-based): chr5:146,157,495, T>G on the plus strand (A>C on the coding strand, the complement: LARS1 is on the minus strand). VCF-style: chr5-146157495-T-G. GRCh37 (hg19) VCF-style: chr5-145537058-T-G.
Other names: c.835A>C, p.Ile279Leu (NM_001317964.2); c.811A>C, p.Ile271Leu (NM_001317965.2); c.892A>C, p.Ile298Leu (NM_016460.4); short protein forms I271L, I279L, I298L, I325L.
Identifiers: ClinVar variation 4688771 (VCV004688771.1).
Genomic context (GRCh38, chr5:146,157,495, plus strand): 5'-CGCCATTGTCTTTGGTAAAGCCCTGGTATGACATATTCCTGGCTGCTTTTTGGGTACAGA[T>G]GAATATATCACCATTCACCGTCTCAAATCCAATGTACTTCATATCAGGACGAACCCAACA-3'
Protein context (NP_064502.9, residues 315-335): GFETVNGDIF[Ile325Leu]CTQKAARNMS